The following is an entry in ClinVar:

NM_000135.4(FANCA):c.3952C>G (p.Leu1318Val)

Genes: FANCA (FA complementation group A; minus strand), ZNF276 (zinc finger protein 276; plus strand). Cytogenetic location: 16q24.3.
Variant type: single nucleotide variant.
Coding change: c.3952C>G on transcript NM_000135.4 (MANE Select); coding-DNA position 3952, C replaced by G.
Protein change: p.Leu1318Val; replaces leucine 1318 with valine.
Molecular consequence: missense variant. On other transcripts: 3 prime UTR variant (2), non-coding transcript variant (4).
Genome position (GRCh38, 1-based): chr16:89,739,536, G>C on the plus strand (C>G on the coding strand, the complement: FANCA is on the minus strand). VCF-style: chr16-89739536-G-C. GRCh37 (hg19) VCF-style: chr16-89805944-G-C.
Other names: c.3952C>G, p.Leu1318Val (NM_001286167.3); c.*1290G>C (NM_001113525.2, NM_152287.4); short protein forms L1318V.
Identifiers: ClinVar variation 1481681 (VCV001481681.8), dbSNP rs2151712993, ClinGen allele CA397484846.

ClinVar aggregate classification (germline): Uncertain significance (1 of 4 stars; one submission).

Conditions:
Fanconi anemia (FA). Also called: Fanconi's anemia. Identifiers: Orphanet 84, MedGen C0015625, MeSH D005199, MONDO:0019391.

Submission:

Labcorp Genetics (formerly Invitae), Labcorp
Classification: Uncertain significance for Fanconi anemia. Last evaluated: 2020-12-31. Review status: criteria provided, single submitter. Criteria: Invitae Variant Classification Sherloc (09022015). Collection method: clinical testing. Allele origin: germline.
Comment: In summary, the available evidence is currently insufficient to determine the role of this variant in disease. Therefore, it has been classified as a Variant of Uncertain Significance. Advanced modeling of protein sequence and biophysical properties (such as structural, functional, and spatial information, amino acid conservation, physicochemical variation, residue mobility, and thermodynamic stability) performed at Invitae indicates that this missense variant is not expected to disrupt FANCA protein function. This variant has not been reported in the literature in individuals with FANCA-related conditions. This variant is not present in population databases (ExAC no frequency). This sequence change replaces leucine with valine at codon 1318 of the FANCA protein (p.Leu1318Val). The leucine residue is weakly conserved and there is a small physicochemical difference between leucine and valine.